The following is an entry in ClinVar:

ClinVar aggregate classification (germline): Uncertain significance (1 of 4 stars; one submission).

Allele frequency attached by ClinVar (database versions not stated): gnomAD exomes below 0.00001; TOPMed below 0.00001.

Submission:

GeneDx
Classification: Uncertain significance. Last evaluated: 2019-01-17. Review status: criteria provided, single submitter. Criteria: GeneDx Variant Classification Process June 2021. Collection method: clinical testing. Allele origin: germline. Affected: yes.
Comment: Has not been previously published as pathogenic or benign to our knowledge.; Not observed in large population cohorts (Lek et al., 2016; McVean et al., 2012; Exome Variant Server); In silico analysis, which includes protein predictors and evolutionary conservation, supports a deleterious effect

NM_001372044.2(SHANK3):c.4438T>C (p.Phe1480Leu)

Gene: SHANK3 (SH3 and multiple ankyrin repeat domains 3; plus strand). Cytogenetic location: 22q13.33.
Variant type: single nucleotide variant.
Coding change: c.4438T>C on transcript NM_001372044.2 (MANE Select); coding-DNA position 4438, T replaced by C.
Protein change: p.Phe1480Leu; replaces phenylalanine 1480 with leucine.
Molecular consequence: missense variant.
Genome position (GRCh38, 1-based): chr22:50,722,046, T>C. VCF-style: chr22-50722046-T-C. GRCh37 (hg19) VCF-style: chr22-51160474-T-C.
Other names: c.4213T>C (NM_033517.1); short protein forms F1480L.
Identifiers: ClinVar variation 1304382 (VCV001304382.2), dbSNP rs1444005320, ClinGen allele CA515264278.
Genomic context (GRCh38, chr22:50,722,046, plus strand): 5'-TTGAGCTCGGAGAGCGGGGAACTCACTGACACCCACACCTCCTTCGCTGACGGACACACT[T>C]TTCTACTCGAGAAGCCACCAGTGCCTCCCAAGCCCAAGCTCAAGTCCCCGCTGGGGAAGG-3'
Protein context (NP_001358973.1, residues 1470-1490): THTSFADGHT[Phe1480Leu]LLEKPPVPPK